The following is an entry in ClinVar:

ClinVar aggregate classification (germline): Conflicting classifications of pathogenicity. Review status: criteria provided, conflicting classifications (1 of 4 stars). 2 submissions from 2 submitters: Uncertain significance (1); Likely benign (1). Last evaluated 2025-03-08.

Conditions:
Cardiovascular phenotype. Identifiers: MedGen CN230736.
Hypertrophic cardiomyopathy 26. Also called: Cardiomyopathy, familial hypertrophic, 26. Identifiers: Orphanet 75249, MedGen C4310749, MONDO:0014883, OMIM 617047.
Distal myopathy with posterior leg and anterior hand involvement. Also called: WILLIAMS DISTAL MYOPATHY. Identifiers: Orphanet 63273, MedGen C3279722, MONDO:0013550, OMIM 614065.
Myofibrillar myopathy 5. Also called: Filaminopathy (type); FILAMINOPATHY, AUTOSOMAL DOMINANT. Identifiers: Orphanet 171445, MedGen C1836050, MONDO:0012289, OMIM 609524.

gnomAD v4.1: 5 of 1,612,140 alleles (0.00031%); highest among the groups gnomAD compares: East Asian, 0.0089%; no homozygotes.

Submissions (2):

Labcorp Genetics (formerly Invitae), Labcorp
Classification: Likely benign for Distal myopathy with posterior leg and anterior hand involvement; Myofibrillar myopathy 5; Hypertrophic cardiomyopathy 26. Last evaluated: 2025-03-08. Review status: criteria provided, single submitter. Criteria: Invitae Variant Classification Sherloc (09022015). Collection method: clinical testing. Allele origin: germline.

Ambry Genetics
Classification: Uncertain significance for Cardiovascular phenotype. Last evaluated: 2020-08-25. Review status: criteria provided, single submitter. Criteria: Ambry Variant Classification Scheme 2023. Collection method: clinical testing. Allele origin: germline.
Comment: The c.6616C>A variant (also known as p.R2206R), located in coding exon 40 of the FLNC gene, results from a C to A substitution at nucleotide position 6616. This nucleotide substitution does not change the arginine at codon 2206. This nucleotide position is well conserved in available vertebrate species. In silico splice site analysis predicts that this alteration will result in the creation or strengthening of a novel splice donor site. Since supporting evidence is limited at this time, the clinical significance of this alteration remains unclear.

NM_001458.5(FLNC):c.6616C>A (p.Arg2206=)

Genes: FLNC (filamin C; plus strand), FLNC-AS1 (FLNC antisense RNA 1; minus strand). Cytogenetic location: 7q32.1.
Variant type: single nucleotide variant.
Coding change: c.6616C>A on transcript NM_001458.5 (MANE Select); coding-DNA position 6616, C replaced by A.
Protein change: p.Arg2206=; no amino-acid change (arginine 2206 retained).
Molecular consequence: synonymous variant.
Genome position (GRCh38, 1-based): chr7:128,854,105, C>A. VCF-style: chr7-128854105-C-A. GRCh37 (hg19) VCF-style: chr7-128494159-C-A.
Other names: c.6517C>A, p.Arg2173= (NM_001127487.2).
Identifiers: ClinVar variation 1754491 (VCV001754491.3), dbSNP rs867032077, ClinGen allele CA457849855.